The following is an entry in ClinVar:

ClinVar aggregate classification (germline): Uncertain significance (1 of 4 stars; one submission).

Submission:

Labcorp Genetics (formerly Invitae), Labcorp
Classification: Uncertain significance. Last evaluated: 2023-09-23. Review status: criteria provided, single submitter. Criteria: Invitae Variant Classification Sherloc (09022015). Collection method: clinical testing. Allele origin: germline.
Comment: This variant is not present in population databases (gnomAD no frequency). In summary, the available evidence is currently insufficient to determine the role of this variant in disease. Therefore, it has been classified as a Variant of Uncertain Significance. Advanced modeling of protein sequence and biophysical properties (such as structural, functional, and spatial information, amino acid conservation, physicochemical variation, residue mobility, and thermodynamic stability) performed at Invitae indicates that this missense variant is not expected to disrupt LEMD3 protein function. This variant has not been reported in the literature in individuals affected with LEMD3-related conditions. This sequence change replaces glutamic acid, which is acidic and polar, with glutamine, which is neutral and polar, at codon 682 of the LEMD3 protein (p.Glu682Gln).

NM_014319.5(LEMD3):c.2044G>C (p.Glu682Gln)

Gene: LEMD3 (LEM domain containing 3; plus strand). Cytogenetic location: 12q14.3.
Variant type: single nucleotide variant.
Coding change: c.2044G>C on transcript NM_014319.5 (MANE Select); coding-DNA position 2044, G replaced by C.
Protein change: p.Glu682Gln; replaces glutamic acid 682 with glutamine.
Molecular consequence: missense variant.
Genome position (GRCh38, 1-based): chr12:65,240,156, G>C. VCF-style: chr12-65240156-G-C. GRCh37 (hg19) VCF-style: chr12-65633936-G-C.
Other names: c.2041G>C, p.Glu681Gln (NM_001167614.2); short protein forms E681Q, E682Q.
Identifiers: ClinVar variation 2698519 (VCV002698519.3), dbSNP rs2498907728, ClinGen allele CA385672225.